The following is an entry in ClinVar:

NM_005247.4(FGF3):c.133C>A (p.Arg45Ser)

Genes: FGF3 (fibroblast growth factor 3; minus strand), LOC109115964 (FGF3 5' regulatory region; plus strand). Cytogenetic location: 11q13.3.
Variant type: single nucleotide variant.
Coding change: c.133C>A on transcript NM_005247.4 (MANE Select); coding-DNA position 133, C replaced by A.
Protein change: p.Arg45Ser; replaces arginine 45 with serine.
Molecular consequence: missense variant.
Genome position (GRCh38, 1-based): chr11:69,818,801, G>T on the plus strand (C>A on the coding strand, the complement: FGF3 is on the minus strand). VCF-style: chr11-69818801-G-T. GRCh37 (hg19) VCF-style: chr11-69633569-G-T.
Other names: short protein forms R45S.
Identifiers: ClinVar variation 4686141 (VCV004686141.2).

ClinVar aggregate classification (germline): Uncertain significance (1 of 4 stars; one submission).

gnomAD v4.1: 50 of 1,491,446 alleles (0.0034%); highest among the groups gnomAD compares: African/African-American, 0.06%; no homozygotes.

Submission:

GeneDx
Classification: Uncertain significance. Last evaluated: 2026-04-16. Review status: criteria provided, single submitter. Criteria: GeneDx Variant Classification Process June 2021. Collection method: clinical testing. Allele origin: germline.
Comment: In silico analysis suggests that this missense variant does not alter protein structure/function; Has not been previously published as pathogenic or benign to our knowledge; This variant is associated with the following publications: (PMID: 38832711)